The following is an entry in ClinVar:

NM_194248.3(OTOF):c.4225A>T (p.Lys1409Ter)

Gene: OTOF (otoferlin; minus strand). Cytogenetic location: 2p23.3.
Variant type: single nucleotide variant.
Coding change: c.4225A>T on transcript NM_194248.3 (MANE Select); coding-DNA position 4225, A replaced by T.
Protein change: p.Lys1409Ter; replaces lysine 1409 with a stop codon.
Molecular consequence: nonsense.
Genome position (GRCh38, 1-based): chr2:26,467,367, T>A on the plus strand (A>T on the coding strand, the complement: OTOF is on the minus strand). VCF-style: chr2-26467367-T-A. GRCh37 (hg19) VCF-style: chr2-26690235-T-A.
Other names: c.4225A>T, p.Lys1409Ter (NM_001287489.2); c.1924A>T, p.Lys642Ter (NM_004802.4, NM_194323.3); c.2155A>T, p.Lys719Ter (NM_194322.3); short protein forms K1409*, K642*, K719*.
Identifiers: ClinVar variation 2683861 (VCV002683861.2), dbSNP rs1320406513, ClinGen allele CA346137166.
Genomic context (GRCh38, chr2:26,467,367, plus strand): 5'-TGCGCCCCCCTCTTCCCGCCCCCACACACCCTAGAAGGGTCTGCTCCTAGGCTCTCACCT[T>A]AAGCTCATCAATCTTGGGTTTCTTCTTCTCGGGGGCCTCGGACCCCTGGCCAGAGCCAGA-3'

ClinVar aggregate classification (germline): Pathogenic. Review status: criteria provided, single submitter (1 of 4 stars). 2 submissions from 2 submitters: Pathogenic (1). 1 of the submissions does not count toward it. Last evaluated 2023-12-22.

Conditions:
Auditory neuropathy. Identifiers: MedGen C1852271, MONDO:0021944.
Autosomal recessive nonsyndromic hearing loss 9. Also called: NEUROSENSORY NONSYNDROMIC RECESSIVE DEAFNESS 9; OTOF-Related Hearing Loss; Deafness, autosomal recessive 9; AUDITORY NEUROPATHY, AUTOSOMAL RECESSIVE, 1, TEMPERATURE-SENSITIVE. Identifiers: Orphanet 90636, MedGen C1832828, MONDO:0010986, OMIM 601071.

Submissions (2):

WangQJ Lab, Chinese People's Liberation Army General Hospital
Classification: Pathogenic for Auditory neuropathy. Last evaluated: 2023-12-22. Review status: criteria provided, single submitter. Criteria: Submitter's publication. Collection method: research. Allele origin: germline. Affected: yes. Observed: 1 variant allele.

Diagnosis and Treatment Center of Genetic Hearing Loss, Eye & ENT Hospital of Fudan University
Classification: Pathogenic for Autosomal recessive nonsyndromic hearing loss 9. Last evaluated: 2026-02-04. Review status: no assertion criteria provided. Collection method: clinical testing. Allele origin: germline. Inheritance: Autosomal recessive inheritance. Affected: yes. Not counted in ClinVar's aggregate classification.
Comment: The c.4225A>T nonsense variant in OTOF leads to a premature stop codon and predicted NMD (PVS1). It is absent from population databases (PM2_Supporting). It was found in trans with pathogenic c.2215-1G>C (PM3). The phenotype is consistent (PP4).